The following is an entry in ClinVar:

ClinVar aggregate classification (germline): Benign/Likely benign. Review status: criteria provided, multiple submitters, no conflicts (2 of 4 stars). 5 submissions from 5 submitters: Benign (1); Likely benign (4). Last evaluated 2025-11-27.

Conditions:
Cardiovascular phenotype. Identifiers: MedGen CN230736.
Hypertrophic cardiomyopathy 13. Also called: TNNC1-Related Familial Hypertrophic Cardiomyopathy. Identifiers: MedGen C2750472, MONDO:0013195, OMIM 613243.
Dilated cardiomyopathy 1Z (CMD1Z). Identifiers: Orphanet 154, MedGen C2678475, MONDO:0012745, OMIM 611879.

Allele frequency attached by ClinVar (database versions not stated): gnomAD 0.00002; TOPMed 0.00003; gnomAD exomes 0.00004; ExAC 0.00005; ESP Exome Variant Server 0.00008; 1000 Genomes Project 0.00060; 1000 Genomes Project 30x 0.00062.

Submissions (5):

Labcorp Genetics (formerly Invitae), Labcorp
Classification: Likely benign for Hypertrophic cardiomyopathy 13; Dilated cardiomyopathy 1Z. Last evaluated: 2025-11-27. Review status: criteria provided, single submitter. Criteria: Invitae Variant Classification Sherloc (09022015). Collection method: clinical testing. Allele origin: germline.

Molecular Diagnostic Laboratory for Inherited Cardiovascular Disease, Montreal Heart Institute
Classification: Likely benign. Last evaluated: 2025-04-09. Review status: criteria provided, single submitter. Criteria: ACMG Guidelines, 2015. Collection method: clinical testing. Allele origin: germline. Affected: no.

Blueprint Genetics
Classification: Likely benign. Last evaluated: 2023-09-20. Review status: criteria provided, single submitter. Criteria: ACMG Guidelines, 2015. Collection method: clinical testing. Allele origin: germline.

Ambry Genetics
Classification: Likely benign for Cardiovascular phenotype. Last evaluated: 2020-06-29. Review status: criteria provided, single submitter. Criteria: Ambry Variant Classification Scheme 2023. Collection method: clinical testing. Allele origin: germline.

GeneDx
Classification: Benign. Last evaluated: 2015-12-29. Review status: criteria provided, single submitter. Criteria: GeneDx Variant Classification (06012015). Collection method: clinical testing. Allele origin: germline. Affected: yes.
Comment: This variant is considered likely benign or benign based on one or more of the following criteria: it is a conservative change, it occurs at a poorly conserved position in the protein, it is predicted to be benign by multiple in silico algorithms, and/or has population frequency not consistent with disease.

NM_003280.3(TNNC1):c.207C>T (p.Ser69=)

Gene: TNNC1 (troponin C1, slow skeletal and cardiac type; minus strand). Cytogenetic location: 3p21.1.
Variant type: single nucleotide variant.
Coding change: c.207C>T on transcript NM_003280.3 (MANE Select); coding-DNA position 207, C replaced by T.
Protein change: p.Ser69=; no amino-acid change (serine 69 retained).
Molecular consequence: synonymous variant.
Genome position (GRCh38, 1-based): chr3:52,451,854, G>A on the plus strand (C>T on the coding strand, the complement: TNNC1 is on the minus strand). VCF-style: chr3-52451854-G-A. GRCh37 (hg19) VCF-style: chr3-52485870-G-A.
Other names: c.207C>T (LRG_378t1).
Identifiers: ClinVar variation 378737 (VCV000378737.12), dbSNP rs202173903, ClinGen allele CA2438553.
Genomic context (GRCh38, chr3:52,451,854, plus strand): 5'-GCTGTCGTCCTTCATGCACCGAACCATCATGACCAGGAACTCATCAAAGTCCACCGTGCC[G>A]CTGCCTGGGGGTGGGCAGCATGGCCGTTACAGAGGCCAGGGTAGGTACTGCAGGCAGCAC-3'
Protein context (NP_003271.1, residues 59-79): EMIDEVDEDG[Ser69=]GTVDFDEFLV